The following is an entry in ClinVar:

ClinVar aggregate classification (germline): Uncertain significance (1 of 4 stars; one submission).

Conditions:
Inborn genetic diseases. Identifiers: MedGen C0950123, MeSH D030342.

Submission:

Ambry Genetics
Classification: Uncertain significance for Inborn genetic diseases. Last evaluated: 2025-04-16. Review status: criteria provided, single submitter. Criteria: Ambry Variant Classification Scheme 2023. Collection method: clinical testing. Allele origin: germline.
Comment: The p.A125T variant (also known as c.373G>A), located in coding exon 4 of the DDX41 gene, results from a G to A substitution at nucleotide position 373. The amino acid change results in alanine to threonine at codon 125, an amino acid with similar properties. However, this change occurs in the last base pair of coding exon 4, which makes it likely to have some effect on normal mRNA splicing. This nucleotide position is highly conserved in available vertebrate species. In silico splice site analysis predicts that this alteration will weaken the native splice donor site; however, direct evidence is insufficient at this time (Ambry internal data). This amino acid position is highly conserved in available vertebrate species. In addition, this alteration is predicted to be tolerated by in silico analysis. Based on the available evidence, the clinical significance of this variant remains unclear.

NM_016222.4(DDX41):c.373G>A (p.Ala125Thr)

Gene: DDX41 (DEAD-box helicase 41; minus strand). Cytogenetic location: 5q35.3.
Variant type: single nucleotide variant.
Coding change: c.373G>A on transcript NM_016222.4 (MANE Select); coding-DNA position 373, G replaced by A.
Protein change: p.Ala125Thr; replaces alanine 125 with threonine.
Molecular consequence: missense variant. On other transcripts: 5 prime UTR variant (2).
Genome position (GRCh38, 1-based): chr5:177,516,119, C>T on the plus strand (G>A on the coding strand, the complement: DDX41 is on the minus strand). VCF-style: chr5-177516119-C-T. GRCh37 (hg19) VCF-style: chr5-176943120-C-T.
Other names: c.-6G>A (NM_001321732.2, NM_001321830.2); short protein forms A125T.
Identifiers: ClinVar variation 4010297 (VCV004010297.1).